The following is an entry in ClinVar:

NM_001854.4(COL11A1):c.*1322G>A

Gene: COL11A1 (collagen type XI alpha 1 chain; minus strand). Cytogenetic location: 1p21.1.
Variant type: single nucleotide variant.
Coding change: c.*1322G>A on transcript NM_001854.4 (MANE Select); 1322 bases downstream of the stop codon, G replaced by A.
Molecular consequence: 3 prime UTR variant. On other transcripts: non-coding transcript variant (1).
Genome position (GRCh38, 1-based): chr1:102,876,697, C>T on the plus strand (G>A on the coding strand, the complement: COL11A1 is on the minus strand). VCF-style: chr1-102876697-C-T. GRCh37 (hg19) VCF-style: chr1-103342253-C-T.
Other names: c.*1322G>A (NM_001190709.2, NM_080629.3, NM_080630.4).
Identifiers: ClinVar variation 876499 (VCV000876499.5), dbSNP rs139810625, ClinGen allele CA28150523.

ClinVar aggregate classification (germline): Benign/Likely benign. Review status: criteria provided, multiple submitters, no conflicts (2 of 4 stars). 3 submissions from 2 submitters: Benign (1); Likely benign (2). Last evaluated 2021-06-21.

Conditions:
Fibrochondrogenesis 1 (FBCG1). Identifiers: Orphanet 2021, MedGen C3278138, MONDO:0009226, OMIM 228520.
Stickler syndrome type 2 (STL2). Also called: COL11A1-Related Stickler Syndrome; STICKLER SYNDROME, TYPE II; STICKLER SYNDROME, BEADED VITREOUS TYPE; STICKLER SYNDROME, VITREOUS TYPE 2. Identifiers: Orphanet 828, Orphanet 90654, MedGen C1858084, MONDO:0011493, OMIM 604841.

Allele frequency attached by ClinVar (database versions not stated): 1000 Genomes Project 0.00519; 1000 Genomes Project 30x 0.00593; gnomAD 0.00672 and 0.00724; TOPMed 0.00770.

Submissions (3):

GeneDx
Classification: Likely benign. Last evaluated: 2021-06-21. Review status: criteria provided, single submitter. Criteria: GeneDx Variant Classification Process June 2021. Collection method: clinical testing. Allele origin: germline. Affected: yes.

Illumina Laboratory Services, Illumina
Classification: Benign for Fibrochondrogenesis 1. Last evaluated: 2018-01-12. Review status: criteria provided, single submitter. Criteria: ICSL Variant Classification Criteria 13 December 2019. Collection method: clinical testing. Allele origin: germline.
Comment: This variant was observed in the ICSL laboratory as part of a predisposition screen in an ostensibly healthy population. It had not been previously curated by ICSL or reported in the Human Gene Mutation Database (HGMD: prior to June 1st, 2018), and was therefore a candidate for classification through an automated scoring system. Utilizing variant allele frequency, disease prevalence and penetrance estimates, and inheritance mode, an automated score was calculated to assess if this variant is too frequent to cause the disease. Based on the score and internal cut-off values, a variant classified as benign is not then subjected to further curation. The score for this variant resulted in a classification of benign for this disease.

Illumina Laboratory Services, Illumina
Classification: Likely benign for Stickler syndrome type 2. Last evaluated: 2018-01-12. Review status: criteria provided, single submitter. Criteria: ICSL Variant Classification Criteria 13 December 2019. Collection method: clinical testing. Allele origin: germline.
Comment: This variant was observed in the ICSL laboratory as part of a predisposition screen in an ostensibly healthy population. It had not been previously curated by ICSL or reported in the Human Gene Mutation Database (HGMD: prior to June 1st, 2018), and was therefore a candidate for classification through an automated scoring system. Utilizing variant allele frequency, disease prevalence and penetrance estimates, and inheritance mode, an automated score was calculated to assess if this variant is too frequent to cause the disease. Based on the score and internal cut-off values, a variant classified as likely benign is not then subjected to further curation. The score for this variant resulted in a classification of likely benign for this disease.